The following is an entry in ClinVar:

NM_006172.4(NPPA):c.304del (p.Trp102fs)

Genes: NPPA (natriuretic peptide A; minus strand), NPPA-AS1 (NPPA antisense RNA 1; plus strand), LOC114827827 (VISTA enhancer hs2123; plus strand). Cytogenetic location: 1p36.22.
Variant type: Deletion.
Coding change: c.304del on transcript NM_006172.4 (MANE Select); coding-DNA position 304, one base deleted (T; older notation c.304delT).
Protein change: p.Trp102fs; shifts the reading frame from tryptophan 102.
Molecular consequence: frameshift variant.
Genome position (GRCh38, 1-based): chr1:11,847,259, A deleted on the plus strand (T on the coding strand, the reverse complement: NPPA is on the minus strand). VCF-style (leftmost placement, unchanged base first): chr1-11847258-CA-C. GRCh37 (hg19) VCF-style: chr1-11907315-CA-C.
Other names: short protein forms W102fs.
Identifiers: ClinVar variation 4805258 (VCV004805258.1).
Genomic context (GRCh38, chr1:11,847,258, plus strand): 5'-GGGGCAGTGAGCAGCGCCCTCAGCTTGCTTTTTAGGAGGGCAGATCGATCAGAGGAGTCC[CA>C]GGGGCCCCGCCCGAGGGCACCTCCATCTCTCTGGGCTGGGCTGACTTCCCCGGTCCAGGG-3'

ClinVar aggregate classification (germline): Uncertain significance (1 of 4 stars; one submission).

Conditions:
Atrial fibrillation, familial, 6 (ATFB6). Identifiers: MedGen C2677294, MONDO:0012816, OMIM 612201.

Submission:

Labcorp Genetics (formerly Invitae), Labcorp
Classification: Uncertain significance for Atrial fibrillation, familial, 6. Last evaluated: 2025-07-02. Review status: criteria provided, single submitter. Criteria: Invitae Variant Classification Sherloc (09022015). Collection method: clinical testing. Allele origin: germline.
Comment: This sequence change creates a premature translational stop signal (p.Trp102Glyfs*10) in the NPPA gene. It is expected to result in an absent or disrupted protein product. However, the current clinical and genetic evidence is not sufficient to establish whether loss-of-function variants in NPPA cause disease. This variant is not present in population databases (gnomAD no frequency). This variant has not been reported in the literature in individuals affected with NPPA-related conditions. In summary, the available evidence is currently insufficient to determine the role of this variant in disease. Therefore, it has been classified as a Variant of Uncertain Significance.